The following is an entry in ClinVar:

NM_001754.5(RUNX1):c.320G>A (p.Arg107His)

Gene: RUNX1 (RUNX family transcription factor 1; minus strand). Cytogenetic location: 21q22.12.
Variant type: single nucleotide variant.
Coding change: c.320G>A on transcript NM_001754.5 (MANE Select); coding-DNA position 320, G replaced by A.
Protein change: p.Arg107His; replaces arginine 107 with histidine.
Molecular consequence: missense variant.
Genome position (GRCh38, 1-based): chr21:34,886,874, C>T on the plus strand (G>A on the coding strand, the complement: RUNX1 is on the minus strand). VCF-style: chr21-34886874-C-T. GRCh37 (hg19) VCF-style: chr21-36259171-C-T.
Other names: NM_001754.5(RUNX1):c.320G>A; p.Arg107His; c.239G>A, p.Arg80His (NM_001001890.3, NM_001122607.2); short protein forms R107H, R80H.
Identifiers: ClinVar variation 812740 (VCV000812740.10), dbSNP rs1569084106, ClinGen allele CA410203483.

ClinVar aggregate classification (germline): Likely pathogenic. Review status: reviewed by expert panel (3 of 4 stars). 4 submissions from 4 submitters: Likely pathogenic (1). 3 of the submissions do not count toward it. Last evaluated 2026-10-02.

Conditions:
Hereditary thrombocytopenia and hematologic cancer predisposition syndrome. Identifiers: Orphanet 71290, MedGen CN281654, MONDO:0011071.
Hereditary thrombocytopenia and hematological cancer predisposition syndrome associated with RUNX1. Also called: Familial Platelet Disorder with Propensity to Acute Myelogenous Leukemia; Familial thrombocytopenia with propensity to acute myelogenous leukemia; PLATELET DISORDER, ASPIRIN-LIKE; RUNX1 Familial Platelet Disorder with Associated Myeloid Malignancies. Identifiers: Orphanet 71290, MedGen C1832388, MeSH C563324, MONDO:0100083, OMIM 601399.
Acute myeloid leukemia (AML). Also called: Leukemia, acute myeloid, somatic; Leukemia, acute myelogenous, somatic; Acute myeloid leukemia, adult; AML adult; Acute non-lymphocytic leukemia; Acute granulocytic leukemia. Identifiers: Orphanet 519, MedGen C0023467, MeSH D015470, MONDO:0018874, OMIM 601626, HP:0004808. Disease mechanism: Constitutively activated FLT3.
Thrombocytopenia. Identifiers: MedGen C0040034, MeSH D013921, MONDO:0002049, HP:0001873.

Allele frequency attached by ClinVar (database versions not stated): gnomAD exomes below 0.00001.
gnomAD v4.1: 1 of 1,613,630 alleles (0.000062%); highest among the groups gnomAD compares: Non-Finnish European, 0.000085%; no homozygotes.

Submissions (4):

ClinGen Myeloid Malignancy Variant Curation Expert Panel
Classification: Likely pathogenic for Hereditary thrombocytopenia and hematologic cancer predisposition syndrome. Last evaluated: 2026-10-02. Review status: reviewed by expert panel. Criteria: ClinGen MyeloMalig ACMG Specifications V3.1. Collection method: curation. Allele origin: germline. Inheritance: Autosomal dominant inheritance.
Comment: NM_001754.5(RUNX1):c.320G>A (p.Arg107His) is a missense variant which affects one of the hotspot residues (Arg107) within the RHD (amino acids 89-204; PM1_Strong). This variant has a REVEL score ≥ 0.88 (0.95) (PP3) and is completely absent from all population databases with at least 20x coverage for RUNX1 (PM2_Supporting). This variant has been reported in one proband meeting at least one of the RUNX1-phenotypic criteria and was found to co-segregate with disease in three observed meioses in one family (PS4_Supporting, PP1; PMID: 27112265). In summary, this variant meets the criteria to be classified as likely pathogenic. ACMG/AMP criteria applied, as specified by the Myeloid Malignancy Variant Curation Expert Panel for RUNX1: PM1_Strong, PP3, PM2_Supporting, PS4_Supporting, PP1.

Labcorp Genetics (formerly Invitae), Labcorp
Classification: Uncertain significance for Hereditary thrombocytopenia and hematological cancer predisposition syndrome associated with RUNX1. Last evaluated: 2022-01-26. Review status: criteria provided, single submitter. Criteria: Invitae Variant Classification Sherloc (09022015). Collection method: clinical testing. Allele origin: germline. Not counted in ClinVar's aggregate classification.
Comment: This missense change has been observed in individual(s) with familial platelet disorder with associated myeloid malignancy (PMID: 27112265). It has also been observed to segregate with disease in related individuals. ClinVar contains an entry for this variant (Variation ID: 812740). Algorithms developed to predict the effect of missense changes on protein structure and function are either unavailable or do not agree on the potential impact of this missense change (SIFT: "Deleterious"; PolyPhen-2: "Probably Damaging"; Align-GVGD: "Class C0"). In summary, the available evidence is currently insufficient to determine the role of this variant in disease. Therefore, it has been classified as a Variant of Uncertain Significance. This variant is not present in population databases (gnomAD no frequency). This sequence change replaces arginine, which is basic and polar, with histidine, which is basic and polar, at codon 107 of the RUNX1 protein (p.Arg107His).

NIHR Bioresource Rare Diseases, University of Cambridge
Classification: Likely pathogenic for Thrombocytopenia. Review status: no assertion criteria provided. Collection method: research. Allele origin: unknown. Affected: yes. Observed: 1 variant allele. Not counted in ClinVar's aggregate classification.

Nadeem Sheikh Lab, University of the Punjab
Classification: Pathogenic for Acute Myeloid Leukemia. Review status: no assertion criteria provided. Collection method: clinical testing. Allele origin: somatic. Affected: yes. Not counted in ClinVar's aggregate classification.

Literature cited by the submitters: PubMed 27112265 (cited by Labcorp Genetics (formerly Invitae), Labcorp); PubMed 32581362 (cited by NIHR Bioresource Rare Diseases, University of Cambridge).